The following is an entry in ClinVar:

NM_005235.3(ERBB4):c.269C>T (p.Ala90Val)

Gene: ERBB4 (erb-b2 receptor tyrosine kinase 4; minus strand). Cytogenetic location: 2q34.
Variant type: single nucleotide variant.
Coding change: c.269C>T on transcript NM_005235.3 (MANE Select); coding-DNA position 269, C replaced by T.
Protein change: p.Ala90Val; replaces alanine 90 with valine.
Molecular consequence: missense variant.
Genome position (GRCh38, 1-based): chr2:211,947,582, G>A on the plus strand (C>T on the coding strand, the complement: ERBB4 is on the minus strand). VCF-style: chr2-211947582-G-A. GRCh37 (hg19) VCF-style: chr2-212812307-G-A.
Other names: c.269C>T, p.Ala90Val (NM_001042599.2); short protein forms A90V.
Identifiers: ClinVar variation 2811653 (VCV002811653.3), dbSNP rs2469593546, ClinGen allele CA350782415.
Genomic context (GRCh38, chr2:211,947,582, plus strand): 5'-AGTTTTGTCCCACGAATAATGCGTAAATTCTCCAGAGGCAGGTAACGAAACTGATTAAGA[G>A]CCACTAACACGTAGCCTGTGACTTCTCGAACAGACTGAAAAGACACAAACAGTTGCCTGT-3'
Protein context (NP_005226.1, residues 80-100): VREVTGYVLV[Ala90Val]LNQFRYLPLE

ClinVar aggregate classification (germline): Uncertain significance (1 of 4 stars; one submission).

Submission:

Labcorp Genetics (formerly Invitae), Labcorp
Classification: Uncertain significance. Last evaluated: 2022-11-02. Review status: criteria provided, single submitter. Criteria: Invitae Variant Classification Sherloc (09022015). Collection method: clinical testing. Allele origin: germline.
Comment: In summary, the available evidence is currently insufficient to determine the role of this variant in disease. Therefore, it has been classified as a Variant of Uncertain Significance. Advanced modeling of protein sequence and biophysical properties (such as structural, functional, and spatial information, amino acid conservation, physicochemical variation, residue mobility, and thermodynamic stability) performed at Invitae indicates that this missense variant is not expected to disrupt ERBB4 protein function. This variant has not been reported in the literature in individuals affected with ERBB4-related conditions. This variant is not present in population databases (gnomAD no frequency). This sequence change replaces alanine, which is neutral and non-polar, with valine, which is neutral and non-polar, at codon 90 of the ERBB4 protein (p.Ala90Val).